The following is an entry in ClinVar:

ClinVar aggregate classification (germline): Pathogenic. Review status: criteria provided, multiple submitters, no conflicts (2 of 4 stars). 13 submissions from 12 submitters: Pathogenic (12). 1 of the submissions does not count toward it. Last evaluated 2026-08-07.

Conditions:
USH2A-related disorder. Also called: USH2A-related condition; USH2A-related disorders. Identifiers: MedGen CN239332.
Usher syndrome type 2A. Also called: RETINAL DISEASE IN USHER SYNDROME TYPE IIA, MODIFIER OF; USHER SYNDROME, TYPE IIA. Identifiers: Orphanet 231178, Orphanet 886, MedGen C1848634, MONDO:0010169, OMIM 276901.
Retinitis pigmentosa 39 (RP39). Identifiers: Orphanet 791, MedGen C3151138, MONDO:0013436, OMIM 613809.
Retinal disorder. Also called: Retinal disorders; Retinopathies; Retinal Diseases; Retinopathy. Identifiers: MedGen C0035309, MONDO:0005283, HP:0000488.

Allele frequency attached by ClinVar (database versions not stated): gnomAD exomes 0.00001 and 0.00003; TOPMed 0.00002; gnomAD 0.00003.
gnomAD v4.1: 41 of 1,613,530 alleles (0.0025%); highest among the groups gnomAD compares: Non-Finnish European, 0.0033%; no homozygotes.

Submissions (13):

PreventionGenetics, part of Exact Sciences
Classification: Pathogenic for USH2A-related condition. Last evaluated: 2026-08-07. Review status: criteria provided, single submitter. Criteria: ACMG Guidelines, 2015. Collection method: clinical testing. Allele origin: germline.
Comment: The USH2A c.6862G>T variant is predicted to result in premature protein termination (p.Glu2288*). This variant has been reported in multiple individuals with Usher syndrome (see for example, Yan et al. 2009. PubMed ID: 19881469; Steele-Stallard et al. 2013. PubMed ID: 23924366; Gill et al. 2022. PubMed ID: 35457016; Table S1, Lin et al. 2024. PubMed ID: 38219857; Le Quesne Stabej et al. 2012. PubMed ID: 22135276). This variant is reported in 0.0018% of alleles in individuals of European (non-Finnish) descent in gnomAD. Nonsense variants in USH2A are expected to be pathogenic. This variant is consistently classified as pathogenic in ClinVar (Variation ID: 96666). This variant is interpreted as pathogenic.

Genetics Laboratory, Great Ormond Street Hospital NHS Foundation Trust, North Thames Genomic Laboratory Hub
Classification: Pathogenic for Retinal disorders. Last evaluated: 2025-10-16. Review status: criteria provided, single submitter. Criteria: ACGS Best Practice Guidelines for Variant Classification in Rare Disease 2024 v1.2. Collection method: clinical testing. Allele origin: germline. Affected: yes.
Comment: PM2_moderate, PVS1_very-strong, PM3_moderate

Labcorp Genetics (formerly Invitae), Labcorp
Classification: Pathogenic. Last evaluated: 2025-03-17. Review status: criteria provided, single submitter. Criteria: Invitae Variant Classification Sherloc (09022015). Collection method: clinical testing. Allele origin: germline.
Comment: This sequence change creates a premature translational stop signal (p.Glu2288*) in the USH2A gene. It is expected to result in an absent or disrupted protein product. Loss-of-function variants in USH2A are known to be pathogenic (PMID: 10729113, 10909849, 20507924, 25649381). This variant is present in population databases (rs398124619, gnomAD 0.002%). This premature translational stop signal has been observed in individuals with Usher syndrome type II (PMID: 19881469, 22135276, 23924366). ClinVar contains an entry for this variant (Variation ID: 96666). For these reasons, this variant has been classified as Pathogenic.

Natera, Inc.
Classification: Pathogenic for Usher syndrome type 2A. Last evaluated: 2024-09-29. Review status: criteria provided, single submitter. Criteria: Natera Variant Classification Schema (03/2026). Collection method: clinical testing. Allele origin: germline.
Comment: The c.6862G>T variant in USH2A is a nonsense variant predicted to introduce a stop codon at amino acid 2288. This variant is expected to result in nonsense mediated decay, truncation, or a dysfunctional protein product. This variant is rare in the general population with a frequency below the threshold expected for the associated phenotype(s). This variant has been observed in one or more individuals affected with the associated recessive disease, as either homozygous or compound heterozygous with a second variant (PMID: 22135276). Given the available evidence, this variant is classified as Pathogenic.

Baylor Genetics
Classification: Pathogenic for Retinitis pigmentosa 39. Last evaluated: 2023-12-14. Review status: criteria provided, single submitter. Criteria: ACMG Guidelines, 2015. Collection method: clinical testing. Allele origin: unknown.

Genome-Nilou Lab
Classification: Pathogenic for Retinitis pigmentosa 39. Last evaluated: 2023-11-04. Review status: criteria provided, single submitter. Criteria: ACMG Guidelines, 2015. Collection method: clinical testing. Allele origin: germline. Affected: no.

Genome-Nilou Lab
Classification: Pathogenic for Usher syndrome type 2A. Last evaluated: 2023-11-04. Review status: criteria provided, single submitter. Criteria: ACMG Guidelines, 2015. Collection method: clinical testing. Allele origin: germline. Affected: no.

Blueprint Genetics
Classification: Pathogenic for USH2A-related disorders. Last evaluated: 2023-04-13. Review status: criteria provided, single submitter. Criteria: ACMG Guidelines, 2015. Collection method: clinical testing. Allele origin: germline. Affected: yes. Observed: 5 variant alleles.

GeneDx
Classification: Pathogenic. Last evaluated: 2021-10-27. Review status: criteria provided, single submitter. Criteria: GeneDx Variant Classification Process June 2021. Collection method: clinical testing. Allele origin: germline. Affected: yes.
Comment: Nonsense variant predicted to result in protein truncation or nonsense-mediated decay in a gene for which loss-of-function is a known mechanism of disease; Not observed at significant frequency in large population cohorts (Lek et al., 2016); This variant is associated with the following publications: (PMID: 25525159, 32176120, 31266775, 19881469, 23924366)

Ocular Genomics Institute, Massachusetts Eye and Ear
Classification: Pathogenic for Retinitis pigmentosa 39. Last evaluated: 2021-04-08. Review status: criteria provided, single submitter. Criteria: ACMG Guidelines, 2015. Collection method: research. Allele origin: germline. Affected: yes.
Comment: Through a review of available evidence we were able to apply the following criteria: PVS1, PM2, PM3, PP3. Based on this evidence we have classified this variant as Pathogenic.

Centre for Genomic Medicine, Manchester, Central Manchester University Hospitals
Classification: Pathogenic for Usher syndrome type 2A. Last evaluated: 2019-02-01. Review status: criteria provided, single submitter. Criteria: ACMG Guidelines, 2015. Collection method: clinical testing. Allele origin: germline. Affected: yes. Observed: 1 variant allele, 1 compound heterozygote.

Eurofins Ntd Llc (ga)
Classification: Pathogenic. Last evaluated: 2013-08-27. Review status: criteria provided, single submitter. Criteria: EGL Classification Definitions. Collection method: clinical testing. Allele origin: germline. Observed: 1 variant allele, 1 heterozygote.

Counsyl
Classification: Pathogenic for Usher syndrome type 2A; Retinitis pigmentosa 39. Last evaluated: 2018-06-07. Review status: no assertion criteria provided. Collection method: clinical testing. Allele origin: unknown. Not counted in ClinVar's aggregate classification.

Literature cited by the submitters: PubMed 10729113 (cited by Labcorp Genetics (formerly Invitae), Labcorp); PubMed 10909849 (cited by Labcorp Genetics (formerly Invitae), Labcorp); PubMed 20507924 (cited by Labcorp Genetics (formerly Invitae), Labcorp); PubMed 25649381 (cited by Labcorp Genetics (formerly Invitae), Labcorp); PubMed 19881469 (cited by Labcorp Genetics (formerly Invitae), Labcorp and Counsyl); PubMed 22135276 (cited by 4 submitters); PubMed 23924366 (cited by Labcorp Genetics (formerly Invitae), Labcorp and Ocular Genomics Institute, Massachusetts Eye and Ear); PubMed 27460420 (cited by Ocular Genomics Institute, Massachusetts Eye and Ear and Counsyl).

NM_206933.4(USH2A):c.6862G>T (p.Glu2288Ter)

Gene: USH2A (usherin; minus strand). Cytogenetic location: 1q41.
Variant type: single nucleotide variant.
Coding change: c.6862G>T on transcript NM_206933.4 (MANE Select); coding-DNA position 6862, G replaced by T.
Protein change: p.Glu2288Ter; replaces glutamic acid 2288 with a stop codon.
Molecular consequence: nonsense.
Genome position (GRCh38, 1-based): chr1:215,970,720, C>A on the plus strand (G>T on the coding strand, the complement: USH2A is on the minus strand). VCF-style: chr1-215970720-C-A. GRCh37 (hg19) VCF-style: chr1-216144062-C-A.
Other names: short protein forms E2288*.
Identifiers: ClinVar variation 96666 (VCV000096666.24), dbSNP rs398124619, ClinGen allele CA224398.